The following is an entry in ClinVar:

NM_000169.3(GLA):c.353G>A (p.Arg118His)

Genes: GLA (galactosidase alpha; minus strand), RPL36A-HNRNPH2 (RPL36A-HNRNPH2 readthrough; plus strand). Cytogenetic location: Xq22.1.
Variant type: single nucleotide variant.
Coding change: c.353G>A on transcript NM_000169.3 (MANE Select); coding-DNA position 353, G replaced by A.
Protein change: p.Arg118His; replaces arginine 118 with histidine.
Molecular consequence: missense variant. On other transcripts: non-coding transcript variant (3), intron variant (2).
Genome position (GRCh38, 1-based): chrX:101,403,827, C>T on the plus strand (G>A on the coding strand, the complement: GLA is on the minus strand). VCF-style: chrX-101403827-C-T. GRCh37 (hg19) VCF-style: chrX-100658815-C-T.
Other names: c.476G>A, p.Arg159His (NM_001406747.1, NM_001406749.1); c.353G>A, p.Arg118His (NM_001406748.1); c.301-8109C>T (NM_001199973.2); c.178-8109C>T (NM_001199974.2); short protein forms R118H, R159H.
Identifiers: ClinVar variation 222219 (VCV000222219.11), dbSNP rs143768851, ClinGen allele CA030625.

ClinVar aggregate classification (germline): Conflicting classifications of pathogenicity. Review status: criteria provided, conflicting classifications (1 of 4 stars). 4 submissions from 4 submitters: Uncertain significance (3); Likely benign (1). Last evaluated 2026-09-08.

Conditions:
Fabry disease. Also called: GLA DEFICIENCY; HEREDITARY DYSTOPIC LIPIDOSIS; Fabry's disease; Angiokeratoma corporis diffusum; Ceramide trihexosidosis; ALPHA-GALACTOSIDASE A DEFICIENCY. Identifiers: Orphanet 324, MedGen C0002986, MONDO:0010526, OMIM 301500, HP:0001071. Disease mechanism: loss of function, Fabry disease is due to inactivating mutations in the X-linked GLA gene resulting in deficiency of the enzyme Alpha Galactosidase-A..

Allele frequency attached by ClinVar (database versions not stated): gnomAD exomes 0.00001 and 0.00002; ExAC 0.00002; TOPMed 0.00003; gnomAD 0.00005; ESP Exome Variant Server 0.00009.
gnomAD v4.1: 19 of 1,209,227 alleles (0.0016%); highest among the groups gnomAD compares: African/African-American, 0.007%; no homozygotes.

Submissions (4):

Genomenon, Inc
Classification: Uncertain significance for Fabry disease. Last evaluated: 2026-09-08. Review status: criteria provided, single submitter. Criteria: Genomenon Sequence Variant Interpretation Standards - Updated. Collection method: curation. Allele origin: germline. Affected: no.
Comment: GLA p.Arg118His (c.353G>A) is a missense variant that changes the amino acid at codon 118 from Arginine to Histidine. This variant has been reported in the published literature (PMID:25468652;30477121;23935525). It is absent or not present at a significant frequency in gnomAD. In silico models predict that this variant is not damaging. In conclusion, we classify GLA p.Arg118His (c.353G>A) as a variant of uncertain significance.

Labcorp Genetics (formerly Invitae), Labcorp
Classification: Uncertain significance for Fabry disease. Last evaluated: 2024-08-22. Review status: criteria provided, single submitter. Criteria: Invitae Variant Classification Sherloc (09022015). Collection method: clinical testing. Allele origin: germline.
Comment: This sequence change replaces arginine, which is basic and polar, with histidine, which is basic and polar, at codon 118 of the GLA protein (p.Arg118His). This variant is present in population databases (rs143768851, gnomAD 0.02%). This missense change has been observed in individual(s) with Fabry disease (PMID: 30477121). ClinVar contains an entry for this variant (Variation ID: 222219). Invitae Evidence Modeling of protein sequence and biophysical properties (such as structural, functional, and spatial information, amino acid conservation, physicochemical variation, residue mobility, and thermodynamic stability) indicates that this missense variant is not expected to disrupt GLA protein function with a negative predictive value of 80%. In summary, the available evidence is currently insufficient to determine the role of this variant in disease. Therefore, it has been classified as a Variant of Uncertain Significance.

Blueprint Genetics
Classification: Likely benign. Last evaluated: 2023-11-03. Review status: criteria provided, single submitter. Criteria: ACMG Guidelines, 2015. Collection method: clinical testing. Allele origin: germline.

Color Diagnostics, LLC DBA Color Health
Classification: Uncertain significance for Fabry disease. Last evaluated: 2023-03-01. Review status: criteria provided, single submitter. Criteria: ACMG Guidelines, 2015. Collection method: clinical testing. Allele origin: germline.
Comment: This missense variant replaces arginine with histidine at codon 118 of the GLA protein. Computational prediction suggests that this variant may not impact protein structure and function (internally defined REVEL score threshold <= 0.5, PMID: 27666373). To our knowledge, functional studies have not been reported for this variant. This variant has been reported in an individual with clinical suspicion for Fabry disease (PMID: 30477121). This variant has been identified in 3/183240 chromosomes in the general population by the Genome Aggregation Database (gnomAD). The available evidence is insufficient to determine the role of this variant in disease conclusively. Therefore, this variant is classified as a Variant of Uncertain Significance.

Literature cited by the submitters: PubMed 25468652 (cited by Genomenon, Inc); PubMed 30477121 (cited by 3 submitters); PubMed 23935525 (cited by Genomenon, Inc).